The following is an entry in ClinVar:

NM_001323289.2(CDKL5):c.86A>C (p.Lys29Thr)

Gene: CDKL5 (cyclin dependent kinase like 5; plus strand). Cytogenetic location: Xp22.13.
Variant type: single nucleotide variant.
Coding change: c.86A>C on transcript NM_001323289.2 (MANE Select); coding-DNA position 86, A replaced by C.
Protein change: p.Lys29Thr; replaces lysine 29 with threonine.
Molecular consequence: missense variant.
Genome position (GRCh38, 1-based): chrX:18,510,841, A>C. VCF-style: chrX-18510841-A-C. GRCh37 (hg19) VCF-style: chrX-18528961-A-C.
Other names: c.86A>C, p.Lys29Thr (NM_001037343.2, NM_003159.3); short protein forms K29T.
Identifiers: ClinVar variation 1714977 (VCV001714977.6), dbSNP rs2518781132, ClinGen allele CA412489848.

ClinVar aggregate classification (germline): Pathogenic (1 of 4 stars; one submission).

Conditions:
Angelman syndrome-like. Identifiers: MedGen CN128785.
Developmental and epileptic encephalopathy, 2 (DEE2). Also called: CDKL5 deficiency disorder; INFANTILE SPASM SYNDROME, X-LINKED 2. Identifiers: Orphanet 1934, Orphanet 3451, Orphanet 505652, MedGen C4750718, MONDO:0010396, OMIM 300672.

Submission:

Labcorp Genetics (formerly Invitae), Labcorp
Classification: Pathogenic for Developmental and epileptic encephalopathy, 2; Angelman syndrome-like. Last evaluated: 2024-03-18. Review status: criteria provided, single submitter. Criteria: Invitae Variant Classification Sherloc (09022015). Collection method: clinical testing. Allele origin: germline.
Comment: This sequence change replaces lysine, which is basic and polar, with threonine, which is neutral and polar, at codon 29 of the CDKL5 protein (p.Lys29Thr). This variant is not present in population databases (gnomAD no frequency). This missense change has been observed in individual(s) with CDKL5-related conditions (Invitae). In at least one individual the variant was observed to be de novo. ClinVar contains an entry for this variant (Variation ID: 1714977). Advanced modeling of protein sequence and biophysical properties (such as structural, functional, and spatial information, amino acid conservation, physicochemical variation, residue mobility, and thermodynamic stability) performed at Invitae indicates that this missense variant is expected to disrupt CDKL5 protein function with a positive predictive value of 95%. For these reasons, this variant has been classified as Pathogenic.